The following is an entry in ClinVar:

NM_000188.3(HK1):c.36G>T (p.Thr12=)

Genes: HK1 (hexokinase 1; plus strand), LOC130003980 (ATAC-STARR-seq lymphoblastoid silent region 2430; plus strand). Cytogenetic location: 10q22.1.
Variant type: single nucleotide variant.
Coding change: c.36G>T on transcript NM_000188.3 (MANE Select); coding-DNA position 36, G replaced by T.
Protein change: p.Thr12=; no amino-acid change (threonine 12 retained).
Molecular consequence: synonymous variant. On other transcripts: intron variant (8).
Genome position (GRCh38, 1-based): chr10:69,318,983, G>T. VCF-style: chr10-69318983-G-T. GRCh37 (hg19) VCF-style: chr10-71078739-G-T.
Other names: c.36G>T, p.Thr12= (NM_001322367.1); c.27+18122G>T (NM_033500.2); c.168+23303G>T (NM_001322365.2); c.75+23303G>T (NM_033498.3, NM_033497.3, NM_001322364.2 and 1 more transcripts); c.60+2969G>T (NM_033496.3); c.-22+748G>T (NM_001322366.1); c.36G>T (NM_000188.2).
Identifiers: ClinVar variation 1082005 (VCV001082005.11), dbSNP rs748679725, ClinGen allele CA5532190.
Genomic context (GRCh38, chr10:69,318,983, plus strand): 5'-CCGCCCCGCGACCCCGACCGCCAGCATGATCGCCGCGCAGCTCCTGGCCTATTACTTCAC[G>T]GAGCTGAAGGATGACCAGGTCAAAAAGGTGAGCCCCCGCCCGCGCCGCCGCTGGTCCTGG-3'
Protein context (NP_000179.2, residues 2-22): IAAQLLAYYF[Thr12=]ELKDDQVKKI

ClinVar aggregate classification (germline): Likely benign. Review status: criteria provided, multiple submitters, no conflicts (2 of 4 stars). 3 submissions from 3 submitters: Likely benign (3). Last evaluated 2026-01-01.

Conditions:
HK1-related disorder. Also called: HK1-related disorders; HK1-related condition.
Retinal dystrophy. Also called: Inherited retinal dystrophy. Identifiers: Orphanet 71862, MedGen C0854723, MeSH D058499, MONDO:0019118, HP:0000556.

Allele frequency attached by ClinVar (database versions not stated): gnomAD exomes 0.00002 and 0.00001; TOPMed 0.00002; ExAC 0.00004; gnomAD 0.00001.
gnomAD v4.1: 25 of 1,602,882 alleles (0.0016%); highest among the groups gnomAD compares: South Asian, 0.016%; no homozygotes.

Submissions (3):

Labcorp Genetics (formerly Invitae), Labcorp
Classification: Likely benign. Last evaluated: 2026-01-01. Review status: criteria provided, single submitter. Criteria: Invitae Variant Classification Sherloc (09022015). Collection method: clinical testing. Allele origin: germline.

PreventionGenetics, part of Exact Sciences
Classification: Likely benign for HK1-related condition. Last evaluated: 2025-07-24. Review status: criteria provided, single submitter. Criteria: ACMG Guidelines, 2015. Collection method: clinical testing. Allele origin: germline.
Comment: This variant is classified as likely benign based on ACMG/AMP sequence variant interpretation guidelines (Richards et al. 2015 PMID: 25741868, with internal and published modifications).

Dept Of Ophthalmology, Nagoya University
Classification: Likely benign for Retinal dystrophy. Last evaluated: 2023-10-01. Review status: criteria provided, single submitter. Criteria: Submitter's publication. Collection method: research. Allele origin: germline. Affected: yes.